The following is an entry in ClinVar:

ClinVar aggregate classification (germline): Likely benign (1 of 4 stars; one submission).

gnomAD v4.1: 5 of 1,603,456 alleles (0.00031%); highest among the groups gnomAD compares: Admixed American, 0.0017%; no homozygotes.

Submission:

CeGaT Center for Human Genetics Tuebingen
Classification: Likely benign. Last evaluated: 2025-09-01. Review status: criteria provided, single submitter. Criteria: CeGaT Center For Human Genetics Tuebingen Variant Classification Criteria Version 2. Collection method: clinical testing. Allele origin: germline. Affected: yes. Observed: 1 variant allele.
Comment: ZNF292: BP4

NM_015021.3(ZNF292):c.6097C>T (p.His2033Tyr)

Gene: ZNF292 (zinc finger protein 292; plus strand). Cytogenetic location: 6q14.3.
Variant type: single nucleotide variant.
Coding change: c.6097C>T on transcript NM_015021.3 (MANE Select); coding-DNA position 6097, C replaced by T.
Protein change: p.His2033Tyr; replaces histidine 2033 with tyrosine.
Molecular consequence: missense variant.
Genome position (GRCh38, 1-based): chr6:87,259,726, C>T. VCF-style: chr6-87259726-C-T. GRCh37 (hg19) VCF-style: chr6-87969444-C-T.
Other names: c.5677C>T, p.His1893Tyr (NM_001351444.2); short protein forms H1893Y, H2033Y.
Identifiers: ClinVar variation 4281446 (VCV004281446.7).